The following is an entry in ClinVar:

NM_000492.4(CFTR):c.3229C>G (p.Leu1077Val)

Genes: CFTR (CF transmembrane conductance regulator; plus strand), CFTR-AS2 (CFTR antisense RNA 2; minus strand), LOC111674472 (DNase I hypersensitive sites in introns 16 and 17a of CFTR; plus strand). Cytogenetic location: 7q31.2.
Variant type: single nucleotide variant.
Coding change: c.3229C>G on transcript NM_000492.4 (MANE Select); coding-DNA position 3229, C replaced by G.
Protein change: p.Leu1077Val; replaces leucine 1077 with valine.
Molecular consequence: missense variant.
Genome position (GRCh38, 1-based): chr7:117,611,670, C>G. VCF-style: chr7-117611670-C-G. GRCh37 (hg19) VCF-style: chr7-117251724-C-G.
Other names: short protein forms L1077V.
Identifiers: ClinVar variation 3716838 (VCV003716838.3).
Genomic context (GRCh38, chr7:117,611,670, plus strand): 5'-ACAAGCTTAAAAGGACTATGGACACTTCGTGCCTTCGGACGGCAGCCTTACTTTGAAACT[C>G]TGTTCCACAAAGCTCTGAATTTACATACTGCCAACTGGTTCTTGTACCTGTCAACACTGC-3'
Protein context (NP_000483.3, residues 1067-1087): AFGRQPYFET[Leu1077Val]FHKALNLHTA

ClinVar aggregate classification (germline): Uncertain significance. Review status: criteria provided, multiple submitters, no conflicts (2 of 4 stars). 2 submissions from 2 submitters: Uncertain significance (2). Last evaluated 2025-01-14.

Conditions:
Cystic fibrosis (CF). Also called: MUCOVISCIDOSIS. Identifiers: Orphanet 586, MedGen C0010674, MONDO:0009061, OMIM 219700. Disease mechanism: loss of function.

Submissions (2):

Ambry Genetics
Classification: Uncertain significance for Cystic fibrosis. Last evaluated: 2025-01-14. Review status: criteria provided, single submitter. Criteria: Ambry Variant Classification Scheme 2023. Collection method: clinical testing. Allele origin: germline.
Comment: The p.L1077V variant (also known as c.3229C>G), located in coding exon 20 of the CFTR gene, results from a C to G substitution at nucleotide position 3229. The leucine at codon 1077 is replaced by valine, an amino acid with highly similar properties. This amino acid position is highly conserved in available vertebrate species. In addition, the in silico prediction for this alteration is inconclusive. Based on the available evidence, the clinical significance of this variant remains unclear.

Labcorp Genetics (formerly Invitae), Labcorp
Classification: Uncertain significance for Cystic fibrosis. Last evaluated: 2024-03-16. Review status: criteria provided, single submitter. Criteria: Invitae Variant Classification Sherloc (09022015). Collection method: clinical testing. Allele origin: germline.
Comment: This sequence change replaces leucine, which is neutral and non-polar, with valine, which is neutral and non-polar, at codon 1077 of the CFTR protein (p.Leu1077Val). This variant is not present in population databases (gnomAD no frequency). This variant has not been reported in the literature in individuals affected with CFTR-related conditions. Advanced modeling of protein sequence and biophysical properties (such as structural, functional, and spatial information, amino acid conservation, physicochemical variation, residue mobility, and thermodynamic stability) performed at Invitae indicates that this missense variant is expected to disrupt CFTR protein function with a positive predictive value of 80%. This variant disrupts the p.Leu1077 amino acid residue in CFTR. Other variant(s) that disrupt this residue have been determined to be pathogenic (PMID: 7517268, 17662673, 23974870, 24225052). This suggests that this residue is clinically significant, and that variants that disrupt this residue are likely to be disease-causing. In summary, the available evidence is currently insufficient to determine the role of this variant in disease. Therefore, it has been classified as a Variant of Uncertain Significance.

Literature cited by the submitters: PubMed 7517268 (cited by Labcorp Genetics (formerly Invitae), Labcorp); PubMed 17662673 (cited by Labcorp Genetics (formerly Invitae), Labcorp); PubMed 23974870 (cited by Labcorp Genetics (formerly Invitae), Labcorp); PubMed 24225052 (cited by Labcorp Genetics (formerly Invitae), Labcorp).